The following is an entry in ClinVar:

NM_033026.6(PCLO):c.3725C>A (p.Thr1242Asn)

Gene: PCLO (piccolo presynaptic cytomatrix protein; minus strand). Cytogenetic location: 7q21.11.
Variant type: single nucleotide variant.
Coding change: c.3725C>A on transcript NM_033026.6 (MANE Select); coding-DNA position 3725, C replaced by A.
Protein change: p.Thr1242Asn; replaces threonine 1242 with asparagine.
Molecular consequence: missense variant.
Genome position (GRCh38, 1-based): chr7:82,966,063, G>T on the plus strand (C>A on the coding strand, the complement: PCLO is on the minus strand). VCF-style: chr7-82966063-G-T. GRCh37 (hg19) VCF-style: chr7-82595379-G-T.
Other names: c.3725C>A, p.Thr1242Asn (NM_014510.3); c.3725C>A (NM_033026.5); short protein forms T1242N.
Identifiers: ClinVar variation 1462947 (VCV001462947.5), dbSNP rs770856920, ClinGen allele CA4320974.

ClinVar aggregate classification (germline): Uncertain significance. Review status: criteria provided, multiple submitters, no conflicts (2 of 4 stars). 2 submissions from 2 submitters: Uncertain significance (2). Last evaluated 2023-01-23.

Conditions:
Pontocerebellar hypoplasia type 3 (PCH3). Also called: PCH WITH OPTIC ATROPHY; CEREBELLAR ATROPHY WITH PROGRESSIVE MICROCEPHALY. Identifiers: Orphanet 97249, MedGen C1842687, MONDO:0011948, OMIM 608027.

Allele frequency attached by ClinVar (database versions not stated): TOPMed 0.00002; gnomAD 0.00003; ExAC 0.00004; gnomAD exomes 0.00004.
gnomAD v4.1: 36 of 1,613,106 alleles (0.0022%); highest among the groups gnomAD compares: Middle Eastern, 0.082%; no homozygotes.

Submissions (2):

Department of Pathology and Laboratory Medicine, Sinai Health System
Classification: Uncertain significance for Pontocerebellar hypoplasia type 3. Last evaluated: 2023-01-23. Review status: criteria provided, single submitter. Criteria: ACMG Guidelines, 2015. Collection method: research. Allele origin: germline.

Labcorp Genetics (formerly Invitae), Labcorp
Classification: Uncertain significance. Last evaluated: 2022-05-27. Review status: criteria provided, single submitter. Criteria: Invitae Variant Classification Sherloc (09022015). Collection method: clinical testing. Allele origin: germline.
Comment: This sequence change replaces threonine, which is neutral and polar, with asparagine, which is neutral and polar, at codon 1242 of the PCLO protein (p.Thr1242Asn). This variant is present in population databases (rs770856920, gnomAD 0.007%). This variant has not been reported in the literature in individuals affected with PCLO-related conditions. Algorithms developed to predict the effect of missense changes on protein structure and function are either unavailable or do not agree on the potential impact of this missense change (SIFT: "Tolerated"; PolyPhen-2: "Not Available"; Align-GVGD: "Class C0"). In summary, the available evidence is currently insufficient to determine the role of this variant in disease. Therefore, it has been classified as a Variant of Uncertain Significance.